The following continues an entry in ClinVar:

NM_000053.4(ATP7B):c.3443T>C (p.Ile1148Thr)

Gene: ATP7B. ClinVar aggregate classification (germline): Pathogenic/Likely pathogenic. Pathogenic (20); Likely pathogenic (1).

Submissions 21 to 25 of 25:

Juno Genomics, Hangzhou Juno Genomics, Inc
Classification: Pathogenic for Wilson disease. Review status: criteria provided, single submitter. Criteria: ACMG Guidelines, 2015. Collection method: clinical testing. Allele origin: germline.
Comment: Absent from controls (or at extremely low frequency if recessive) in Genome Aggregation Database.;Multiple lines of computational evidence support a deleterious effect on the gene or gene product.;For recessive disorders, detected in trans with a pathogenic variant.;Patient's phenotype or family history is highly specific for a disease with a single genetic etiology.

Department of Reproductive Genetics, International Peace Maternity and Child Health Hospital, Shanghai Jiao Tong University School of Medicine
Classification: Pathogenic for Wilson disease. Last evaluated: 2025-05-01. Review status: no assertion criteria provided. Collection method: clinical testing. Allele origin: inherited. Affected: yes. Not counted in ClinVar's aggregate classification.
Comment: The NM_000053.4(ATP7B):c.3443T>C (p.Ile1148Thr) variant results in a missense substitution of isoleucine with threonine at codon 1148, altering a highly conserved nucleotide within the N-domain of the ATP7B protein (amino acids 1032–1196), a region critical for its function (PMID: 35245129). This variant is extremely rare in the general population, with a frequency of 0.0000192 in gnomAD, and no homozygous individuals observed. Functional studies in yeast models demonstrated normal protein expression but mild to intermediate impairment in copper transport complementation assays (PMID: 20333758).The variant is reported as Pathogenic/Likely Pathogenic in ClinVar (Variation ID: 37122) and has been identified in numerous individuals diagnosed with Wilson disease across multiple studies.

Counsyl
Classification: Pathogenic for Wilson disease. Last evaluated: 2017-02-27. Review status: no assertion criteria provided. Collection method: clinical testing. Allele origin: unknown. Not counted in ClinVar's aggregate classification.

OMIM
Classification: Pathogenic for WILSON DISEASE. Last evaluated: 2011-09-01. Review status: no assertion criteria provided. Collection method: literature only. Allele origin: germline. Not counted in ClinVar's aggregate classification.

Chongqing Key Laboratory of Child Rare Diseases in Infection and Immunity, Children’s Hospital of Chongqing Medical University
Classification: Uncertain significance for Wilson disease. Last evaluated: 2024-01-01. Review status: flagged submission. Criteria: ACMG Guidelines, 2015. Collection method: clinical testing. Allele origin: germline. Inheritance: Autosomal recessive inheritance. Affected: yes. Not counted in ClinVar's aggregate classification.
Comment: Classified as Uncertain significance according to the ACMG/AMP 2015 guidelines (PMID:25741868). The classification was based on the available submitted evidence for Wilson disease (OMIM:277900), including clinical-testing observations, variant consequence/protein annotation, and published or ClinVar evidence where available. Supporting information considered: variant annotation: p.Ile1148Thr; Missense; Protein domain: N-domain-enriched; submitted notation: NM_000053.4:c.3443T>C (p.Ile1148Thr); source variant type: Missense; source domain: N-domain-enriched; allele count n=230: 8.
ClinVar note: Reason: Outlier claim with insufficient supporting evidence

Literature cited by the submitters: PubMed 21796144 (cited by 8 submitters); PubMed 23843956 (cited by 8 submitters); PubMed 28212618 (cited by 6 submitters); PubMed 20333758 (cited by 10 submitters); PubMed 24146181 (cited by 3 submitters); PubMed 33763395 (cited by Natera, Inc.); PubMed 15845031 (cited by 4 submitters); PubMed 9801873 (cited by 5 submitters); PubMed 35220961 (cited by 3billion and Mayo Clinic Laboratories, Mayo Clinic); PubMed 27398169 (cited by 5 submitters); PubMed 19172127 (cited by Dasa and Laboratory for Molecular Medicine, Mass General Brigham Personalized Medicine); PubMed 15523622 (cited by 6 submitters); PubMed 22677543 (cited by 3 submitters); PubMed 25089800 (cited by 3 submitters); PubMed 27982432 (cited by 4 submitters); PubMed 30702195 (cited by 3 submitters); PubMed 31172689 (cited by Mayo Clinic Laboratories, Mayo Clinic); PubMed 34324271 (cited by Mayo Clinic Laboratories, Mayo Clinic); PubMed 36096368 (cited by Mayo Clinic Laboratories, Mayo Clinic); PubMed 37020998 (cited by Mayo Clinic Laboratories, Mayo Clinic); PubMed 10447265 (cited by 3 submitters); PubMed 14986826 (cited by 3 submitters); PubMed 17587212 (cited by All of Us Research Program, National Institutes of Health and Color Diagnostics, LLC DBA Color Health); PubMed 18034201 (cited by 7 submitters); PubMed 18483695 (cited by 3 submitters); PubMed 20465995 (cited by All of Us Research Program, National Institutes of Health and Color Diagnostics, LLC DBA Color Health); PubMed 21034864 (cited by 3 submitters); PubMed 23275100 (cited by All of Us Research Program, National Institutes of Health and Color Diagnostics, LLC DBA Color Health); PubMed 24726229 (cited by All of Us Research Program, National Institutes of Health and Color Diagnostics, LLC DBA Color Health); PubMed 26580967 (cited by 3 submitters); PubMed 27022412 (cited by 5 submitters); PubMed 29930488 (cited by 3 submitters); PubMed 30384382 (cited by All of Us Research Program, National Institutes of Health and Color Diagnostics, LLC DBA Color Health); PubMed 30884209 (cited by All of Us Research Program, National Institutes of Health and Color Diagnostics, LLC DBA Color Health); PubMed 34400371 (cited by All of Us Research Program, National Institutes of Health and Color Diagnostics, LLC DBA Color Health); PubMed 34470610 (cited by All of Us Research Program, National Institutes of Health and Color Diagnostics, LLC DBA Color Health); PubMed 35245129 (cited by All of Us Research Program, National Institutes of Health and Color Diagnostics, LLC DBA Color Health); PubMed 35782615 (cited by 3 submitters); PubMed 15967699 (cited by Ambry Genetics); PubMed 18371106 (cited by Ambry Genetics); PubMed 29637721 (cited by Department of Reproductive Genetics, International Peace Maternity and Child Health Hospital, Shanghai Jiao Tong University School of Medicine); PubMed 36253962 (cited by Department of Reproductive Genetics, International Peace Maternity and Child Health Hospital, Shanghai Jiao Tong University School of Medicine); PubMed 35222532 (cited by Department of Reproductive Genetics, International Peace Maternity and Child Health Hospital, Shanghai Jiao Tong University School of Medicine).